The following is an entry in ClinVar:

ClinVar aggregate classification (germline): Likely benign (1 of 4 stars; one submission).

Submission:

Mayo Clinic Laboratories, Mayo Clinic
Classification: Likely benign. Last evaluated: 2025-11-03. Review status: criteria provided, single submitter. Criteria: ACMG Guidelines, 2015. Collection method: clinical testing. Allele origin: germline. Observed: 82 variant alleles.
Comment: BP4, BP7

NM_198241.3(EIF4G1):c.33A>C (p.Pro11=)

Gene: EIF4G1 (eukaryotic translation initiation factor 4 gamma 1; plus strand). Cytogenetic location: 3q27.1.
Variant type: single nucleotide variant.
Coding change: c.33A>C on transcript NM_198241.3 (MANE Select); coding-DNA position 33, A replaced by C.
Protein change: p.Pro11=; no amino-acid change (proline 11 retained).
Molecular consequence: synonymous variant. On other transcripts: 5 prime UTR variant (1), intron variant (2).
Genome position (GRCh38, 1-based): chr3:184,315,829, A>C. VCF-style: chr3-184315829-A-C. GRCh37 (hg19) VCF-style: chr3-184033617-A-C.
Other names: p.Pro11=; c.33A>C, p.Pro11= (NM_001194946.2, NM_001194947.2, NM_182917.4); c.-148A>C (NM_001291157.2); c.-115+1155A>C (NM_198244.3); c.-169+1155A>C (NM_198242.3).
Identifiers: ClinVar variation 4684743 (VCV004684743.1).